The following is an entry in ClinVar:

NM_002529.4(NTRK1):c.1125G>A (p.Met375Ile)

Gene: NTRK1 (neurotrophic receptor tyrosine kinase 1; plus strand). Cytogenetic location: 1q23.1.
Variant type: single nucleotide variant.
Coding change: c.1125G>A on transcript NM_002529.4 (MANE Select); coding-DNA position 1125, G replaced by A.
Protein change: p.Met375Ile; replaces methionine 375 with isoleucine.
Molecular consequence: missense variant.
Genome position (GRCh38, 1-based): chr1:156,873,907, G>A. VCF-style: chr1-156873907-G-A. GRCh37 (hg19) VCF-style: chr1-156843699-G-A.
Other names: c.1035G>A, p.Met345Ile (NM_001007792.1); c.1125G>A, p.Met375Ile (NM_001012331.2); short protein forms M345I, M375I.
Identifiers: ClinVar variation 657830 (VCV000657830.8), dbSNP rs770611182, ClinGen allele CA1169192.

ClinVar aggregate classification (germline): Uncertain significance. Review status: criteria provided, multiple submitters, no conflicts (2 of 4 stars). 4 submissions from 4 submitters: Uncertain significance (3). 1 of the submissions does not count toward it. Last evaluated 2023-04-11.

Conditions:
Hereditary insensitivity to pain with anhidrosis (CIPA). Also called: NTRK1 Congenital Insensitivity to Pain with Anhidrosis; hereditary sensory and autonomic neuropathy type 4; NEUROPATHY, CONGENITAL SENSORY, WITH ANHIDROSIS; HSAN Type IV; INSENSITIVITY TO PAIN, CONGENITAL, WITH ANHIDROSIS; FAMILIAL DYSAUTONOMIA, TYPE II. Identifiers: Orphanet 642, MedGen C0020074, MONDO:0009746, OMIM 256800.

Allele frequency attached by ClinVar (database versions not stated): gnomAD exomes 0.00003 and 0.00007; TOPMed 0.00003; gnomAD 0.00004; ExAC 0.00010.
gnomAD v4.1: 102 of 1,570,004 alleles (0.0065%); highest among the groups gnomAD compares: Non-Finnish European, 0.0086%; no homozygotes.

Submissions (4):

Genome-Nilou Lab
Classification: Uncertain significance for Hereditary insensitivity to pain with anhidrosis. Last evaluated: 2023-04-11. Review status: criteria provided, single submitter. Criteria: ACMG Guidelines, 2015. Collection method: clinical testing. Allele origin: germline. Affected: no.

Labcorp Genetics (formerly Invitae), Labcorp
Classification: Uncertain significance for Hereditary insensitivity to pain with anhidrosis. Last evaluated: 2022-08-16. Review status: criteria provided, single submitter. Criteria: Invitae Variant Classification Sherloc (09022015). Collection method: clinical testing. Allele origin: germline.
Comment: This sequence change replaces methionine, which is neutral and non-polar, with isoleucine, which is neutral and non-polar, at codon 375 of the NTRK1 protein (p.Met375Ile). This variant is present in population databases (rs770611182, gnomAD 0.006%). This variant has not been reported in the literature in individuals affected with NTRK1-related conditions. ClinVar contains an entry for this variant (Variation ID: 657830). Advanced modeling of protein sequence and biophysical properties (such as structural, functional, and spatial information, amino acid conservation, physicochemical variation, residue mobility, and thermodynamic stability) performed at Invitae indicates that this missense variant is not expected to disrupt NTRK1 protein function. Algorithms developed to predict the effect of sequence changes on RNA splicing suggest that this variant may create or strengthen a splice site. In summary, the available evidence is currently insufficient to determine the role of this variant in disease. Therefore, it has been classified as a Variant of Uncertain Significance.

Fulgent Genetics
Classification: Uncertain significance for Hereditary insensitivity to pain with anhidrosis. Last evaluated: 2021-08-31. Review status: criteria provided, single submitter. Criteria: ACMG Guidelines, 2015. Collection method: clinical testing. Allele origin: unknown.

Natera, Inc.
Classification: Uncertain significance for Hereditary insensitivity to pain with anhidrosis. Last evaluated: 2020-09-11. Review status: no assertion criteria provided. Collection method: clinical testing. Allele origin: germline. Not counted in ClinVar's aggregate classification.